The following is an entry in ClinVar:

ClinVar aggregate classification (germline): Uncertain significance (1 of 4 stars; one submission).

Allele frequency attached by ClinVar (database versions not stated): gnomAD exomes below 0.00001 and 0.00001.
gnomAD v4.1: 1 of 1,614,104 alleles (0.000062%); highest among the groups gnomAD compares: Admixed American, 0.0017%; no homozygotes.

Submission:

Labcorp Genetics (formerly Invitae), Labcorp
Classification: Uncertain significance. Last evaluated: 2021-05-01. Review status: criteria provided, single submitter. Criteria: Invitae Variant Classification Sherloc (09022015). Collection method: clinical testing. Allele origin: germline.
Comment: In summary, the available evidence is currently insufficient to determine the role of this variant in disease. Therefore, it has been classified as a Variant of Uncertain Significance. Algorithms developed to predict the effect of missense changes on protein structure and function (SIFT, PolyPhen-2, Align-GVGD) all suggest that this variant is likely to be tolerated, but these predictions have not been confirmed by published functional studies and their clinical significance is uncertain. This variant has not been reported in the literature in individuals with RUSC2-related conditions. This variant is not present in population databases (ExAC no frequency). This sequence change replaces serine with arginine at codon 1435 of the RUSC2 protein (p.Ser1435Arg). The serine residue is weakly conserved and there is a moderate physicochemical difference between serine and arginine.

NM_014806.5(RUSC2):c.4303A>C (p.Ser1435Arg)

Gene: RUSC2 (RUN and SH3 domain containing 2; plus strand). Cytogenetic location: 9p13.3.
Variant type: single nucleotide variant.
Coding change: c.4303A>C on transcript NM_014806.5 (MANE Select); coding-DNA position 4303, A replaced by C.
Protein change: p.Ser1435Arg; replaces serine 1435 with arginine.
Molecular consequence: missense variant. On other transcripts: non-coding transcript variant (1).
Genome position (GRCh38, 1-based): chr9:35,561,051, A>C. VCF-style: chr9-35561051-A-C. GRCh37 (hg19) VCF-style: chr9-35561048-A-C.
Other names: c.4303A>C, p.Ser1435Arg (NM_001135999.2); c.1669A>C, p.Ser557Arg (NM_001330740.2); short protein forms S1435R, S557R.
Identifiers: ClinVar variation 1367698 (VCV001367698.8), dbSNP rs1249366139, ClinGen allele CA373357255.
Genomic context (GRCh38, chr9:35,561,051, plus strand): 5'-TCCATGTTCCAACTAGTGGCGCAGACAGTGGGTTCCCGCCGGGAGCCAGAGCCCAAGGAG[A>C]GCCTGCAGGAGCCACACTCCCCAGCCCTGCCCTCCAGTCCTCCGTGGTAAGCCTGGGGAA-3'
Protein context (NP_055621.2, residues 1425-1445): GSRREPEPKE[Ser1435Arg]LQEPHSPALP